The following is an entry in ClinVar:

ClinVar aggregate classification (germline): Likely benign (1 of 4 stars; one submission).

Allele frequency attached by ClinVar (database versions not stated): 1000 Genomes Project 30x 0.00016; ESP Exome Variant Server 0.00017; 1000 Genomes Project 0.00020; ExAC 0.00030; gnomAD 0.00038; TOPMed 0.00051.
gnomAD v4.1: 506 of 1,614,126 alleles (0.031%); highest among the groups gnomAD compares: Middle Eastern, 0.16%; 3 homozygotes.

Submission:

CeGaT Center for Human Genetics Tuebingen
Classification: Likely benign. Last evaluated: 2022-04-01. Review status: criteria provided, single submitter. Criteria: CeGaT Center For Human Genetics Tuebingen Variant Classification Criteria Version 2. Collection method: clinical testing. Allele origin: germline. Affected: yes. Observed: 1 variant allele.
Comment: TANC1: BP4, BP7

NM_033394.3(TANC1):c.474T>C (p.Ile158=)

Gene: TANC1 (tetratricopeptide repeat, ankyrin repeat and coiled-coil containing 1; plus strand). Cytogenetic location: 2q24.2.
Variant type: single nucleotide variant.
Coding change: c.474T>C on transcript NM_033394.3 (MANE Select); coding-DNA position 474, T replaced by C.
Protein change: p.Ile158=; no amino-acid change (isoleucine 158 retained).
Molecular consequence: synonymous variant. On other transcripts: intron variant (1).
Genome position (GRCh38, 1-based): chr2:159,149,251, T>C. VCF-style: chr2-159149251-T-C. GRCh37 (hg19) VCF-style: chr2-160005762-T-C.
Other names: c.471T>C, p.Ile157= (NM_001145909.2); c.369T>C, p.Ile123= (NM_001350063.2); c.474T>C, p.Ile158= (NM_001350064.2, NM_001350065.2); c.364+12953T>C (NM_001350062.2).
Identifiers: ClinVar variation 2651450 (VCV002651450.24), dbSNP rs193207814, ClinGen allele CA1921805.
Genomic context (GRCh38, chr2:159,149,251, plus strand): 5'-GTTGACAAGGCTGGGATTTTTACTGGGAGAAGGGATCCCAAGTGCCACACACATAACCAT[T>C]GAAGACAAAAATGAAACCATGGTAATGCCCGAGGAAGACACTACATTGCATACCTCTTCA-3'
Protein context (NP_203752.2, residues 148-168): EGIPSATHIT[Ile158=]EDKNETMCTA